The following is an entry in ClinVar:

ClinVar aggregate classification (germline): Conflicting classifications of pathogenicity. Review status: criteria provided, conflicting classifications (1 of 4 stars). 4 submissions from 4 submitters: Uncertain significance (2); Likely benign (2). Last evaluated 2025-09-16.

Conditions:
Cortical dysplasia-focal epilepsy syndrome (PTHSL1). Also called: Pitt-Hopkins-like syndrome 1. Identifiers: Orphanet 163681, Orphanet 221150, MedGen C2750246, MONDO:0012400, OMIM 610042.
Inborn genetic diseases. Identifiers: MedGen C0950123, MeSH D030342.

Allele frequency attached by ClinVar (database versions not stated): gnomAD 0.00002 and 0.00003; TOPMed 0.00005.
gnomAD v4.1: 19 of 1,612,896 alleles (0.0012%); highest among the groups gnomAD compares: African/African-American, 0.008%; no homozygotes.

Submissions (4):

Ambry Genetics
Classification: Uncertain significance for Inborn genetic diseases. Last evaluated: 2025-09-16. Review status: criteria provided, single submitter. Criteria: Ambry Variant Classification Scheme 2023. Collection method: clinical testing. Allele origin: germline.
Comment: The c.3797-5G>A intronic alteration consists of a G to A substitution 5 nucleotides before coding exon 24 in the CNTNAP2 gene. Based on insufficient or conflicting evidence, the clinical significance of this alteration remains unclear.

Labcorp Genetics (formerly Invitae), Labcorp
Classification: Likely benign for Cortical dysplasia-focal epilepsy syndrome. Last evaluated: 2024-08-13. Review status: criteria provided, single submitter. Criteria: Invitae Variant Classification Sherloc (09022015). Collection method: clinical testing. Allele origin: germline.

GeneDx
Classification: Likely benign. Last evaluated: 2019-08-07. Review status: criteria provided, single submitter. Criteria: GeneDx Variant Classification Process June 2021. Collection method: clinical testing. Allele origin: germline. Affected: yes.

Illumina Laboratory Services, Illumina
Classification: Uncertain significance for Cortical dysplasia-focal epilepsy syndrome. Last evaluated: 2018-01-13. Review status: criteria provided, single submitter. Criteria: ICSL Variant Classification Criteria 13 December 2019. Collection method: clinical testing. Allele origin: germline.

NM_014141.6(CNTNAP2):c.3797-5G>A

Gene: CNTNAP2 (contactin associated protein 2; plus strand). Cytogenetic location: 7q36.1.
Variant type: single nucleotide variant.
Coding change: c.3797-5G>A on transcript NM_014141.6 (MANE Select); 5 bases into the intron before coding-DNA position 3797, G replaced by A.
Molecular consequence: intron variant.
Genome position (GRCh38, 1-based): chr7:148,415,412, G>A. VCF-style: chr7-148415412-G-A. GRCh37 (hg19) VCF-style: chr7-148112504-G-A.
Identifiers: ClinVar variation 359196 (VCV000359196.20), dbSNP rs745770134, ClinGen allele CA10628404.
Genomic context (GRCh38, chr7:148,415,412, plus strand): 5'-GGGGACAGTGTTGGAGGGACTCCCAAGCCCTGTCTAACCTCTCGTGCTTCTCCTTTCTCC[G>A]TCAGGCGTCATTGCTGTGGTGATTTTCACCATCCTGTGCACCCTGGTCTTCCTGATCCGG-3'